The following is an entry in ClinVar:

ClinVar aggregate classification (germline): Uncertain significance (1 of 4 stars; one submission).

Conditions:
POLD1-related polyposis and colorectal cancer syndrome (CRCS10). Also called: Colorectal cancer 10; Colorectal cancer, susceptibility to, 10; COLORECTAL CANCER, SUSCEPTIBILITY TO, ON CHROMOSOME 19q. Identifiers: Orphanet 220460, MedGen C2675481, MONDO:0012953, OMIM 612591.

Submission:

Labcorp Genetics (formerly Invitae), Labcorp
Classification: Uncertain significance for POLD1-related polyposis and colorectal cancer syndrome. Last evaluated: 2022-11-14. Review status: criteria provided, single submitter. Criteria: Invitae Variant Classification Sherloc (09022015). Collection method: clinical testing. Allele origin: germline.
Comment: Missense variants that disrupt the 3'-5' exonuclease (proof-reading) activity of the POLD1 protein are associated with PPAP (polymerase proofreading–associated polyposis) (PMID: 23263490, 23447401). However, loss-of-function variants that result in an absent or severely disrupted POLD1 protein, and missense variants outside the exonuclease domain, are unlikely to be associated with PPAP. It is expected to disrupt RNA splicing. Variants that disrupt the donor or acceptor splice site typically lead to a loss of protein function (PMID: 16199547), however the current clinical and genetic evidence is not sufficient to establish whether loss-of-function variants in POLD1 cause disease. This variant is not present in population databases (gnomAD no frequency). This variant has not been reported in the literature in individuals affected with POLD1-related conditions. Algorithms developed to predict the effect of sequence changes on RNA splicing suggest that this variant may disrupt the consensus splice site. In summary, the available evidence is currently insufficient to determine the role of this variant in disease. Therefore, it has been classified as a Variant of Uncertain Significance.

Literature cited by the submitters: PubMed 23263490; PubMed 23447401; PubMed 16199547.

NM_002691.4(POLD1):c.203-1G>A

Gene: POLD1 (DNA polymerase delta 1, catalytic subunit; plus strand). Cytogenetic location: 19q13.33.
Variant type: single nucleotide variant.
Coding change: c.203-1G>A on transcript NM_002691.4 (MANE Select); the canonical splice acceptor site of the intron before coding-DNA position 203, G replaced by A.
Molecular consequence: splice acceptor variant.
Genome position (GRCh38, 1-based): chr19:50,399,370, G>A. VCF-style: chr19-50399370-G-A. GRCh37 (hg19) VCF-style: chr19-50902627-G-A.
Other names: c.203-1G>A (NM_001256849.1, NM_001308632.1).
Identifiers: ClinVar variation 2814179 (VCV002814179.3), dbSNP rs1555789205, ClinGen allele CA406970375.